The following is an entry in ClinVar:

NM_001270.4(CHD1):c.3980G>C (p.Gly1327Ala)

Gene: CHD1 (chromodomain helicase DNA binding protein 1; minus strand). Cytogenetic location: 5q15.
Variant type: single nucleotide variant.
Coding change: c.3980G>C on transcript NM_001270.4 (MANE Select); coding-DNA position 3980, G replaced by C.
Protein change: p.Gly1327Ala; replaces glycine 1327 with alanine.
Molecular consequence: missense variant. On other transcripts: non-coding transcript variant (2).
Genome position (GRCh38, 1-based): chr5:98,869,881, C>G on the plus strand (G>C on the coding strand, the complement: CHD1 is on the minus strand). VCF-style: chr5-98869881-C-G. GRCh37 (hg19) VCF-style: chr5-98205585-C-G.
Other names: c.3980G>C, p.Gly1327Ala (NM_001364113.3, NM_001376194.2); short protein forms G1327A.
Identifiers: ClinVar variation 2662880 (VCV002662880.1), dbSNP rs2479433680, ClinGen allele CA360521943.

ClinVar aggregate classification (germline): Uncertain significance (1 of 4 stars; one submission).

Submission:

GeneDx
Classification: Uncertain significance. Last evaluated: 2023-04-14. Review status: criteria provided, single submitter. Criteria: GeneDx Variant Classification Process June 2021. Collection method: clinical testing. Allele origin: germline. Affected: yes.
Comment: Not observed at significant frequency in large population cohorts (gnomAD); In silico analysis supports that this missense variant does not alter protein structure/function; Has not been previously published as pathogenic or benign to our knowledge